The following is an entry in ClinVar:

ClinVar aggregate classification (germline): Uncertain significance (1 of 4 stars; one submission).

Submission:

Labcorp Genetics (formerly Invitae), Labcorp
Classification: Uncertain significance. Last evaluated: 2025-10-04. Review status: criteria provided, single submitter. Criteria: Invitae Variant Classification Sherloc (09022015). Collection method: clinical testing. Allele origin: germline.
Comment: This sequence change replaces glycine, which is neutral and non-polar, with arginine, which is basic and polar, at codon 90 of the FOXI3 protein (p.Gly90Arg). The frequency data for this variant in the population databases is considered unreliable, as metrics indicate insufficient coverage at this position in the gnomAD database. This variant has not been reported in the literature in individuals affected with FOXI3-related conditions. Experimental studies and prediction algorithms are not available or were not evaluated, and the functional significance of this variant is currently unknown. In summary, the available evidence is currently insufficient to determine the role of this variant in disease. Therefore, it has been classified as a Variant of Uncertain Significance.

NM_001135649.3(FOXI3):c.268G>A (p.Gly90Arg)

Gene: FOXI3 (forkhead box I3; minus strand). Cytogenetic location: 2p11.2.
Variant type: single nucleotide variant.
Coding change: c.268G>A on transcript NM_001135649.3 (MANE Select); coding-DNA position 268, G replaced by A.
Protein change: p.Gly90Arg; replaces glycine 90 with arginine.
Molecular consequence: missense variant.
Genome position (GRCh38, 1-based): chr2:88,452,268, C>T on the plus strand (G>A on the coding strand, the complement: FOXI3 is on the minus strand). VCF-style: chr2-88452268-C-T. GRCh37 (hg19) VCF-style: chr2-88751786-C-T.
Other names: short protein forms G90R.
Identifiers: ClinVar variation 4765777 (VCV004765777.1).